The following is an entry in ClinVar:

NM_006610.4(MASP2):c.1827G>A (p.Arg609=)

Genes: MASP2 (MBL associated serine protease 2; minus strand), TARDBP (TAR DNA binding protein; plus strand). Cytogenetic location: 1p36.22.
Variant type: single nucleotide variant.
Coding change: c.1827G>A on transcript NM_006610.4 (MANE Select); coding-DNA position 1827, G replaced by A.
Protein change: p.Arg609=; no amino-acid change (arginine 609 retained).
Molecular consequence: synonymous variant.
Genome position (GRCh38, 1-based): chr1:11,027,119, C>T on the plus strand (G>A on the coding strand, the complement: MASP2 is on the minus strand). VCF-style: chr1-11027119-C-T. GRCh37 (hg19) VCF-style: chr1-11087176-C-T.
Identifiers: ClinVar variation 3058189 (VCV003058189.2), dbSNP rs763183867, ClinGen allele CA586585.

ClinVar aggregate classification (germline): Likely benign (0 of 4 stars; one submission).

Conditions:
MASP2-related disorder. Also called: MASP2-related condition.

Allele frequency attached by ClinVar (database versions not stated): gnomAD exomes below 0.00001; ExAC 0.00001; TOPMed 0.00001.
gnomAD v4.1: 7 of 1,611,508 alleles (0.00043%); highest among the groups gnomAD compares: East Asian, 0.0022%; no homozygotes.

Submission:

PreventionGenetics, part of Exact Sciences
Classification: Likely benign for MASP2-related condition. Last evaluated: 2019-02-21. Review status: no assertion criteria provided. Collection method: clinical testing. Allele origin: germline.
Comment: This variant is classified as likely benign based on ACMG/AMP sequence variant interpretation guidelines (Richards et al. 2015 PMID: 25741868, with internal and published modifications).